The following is an entry in ClinVar:

ClinVar aggregate classification (germline): Uncertain significance (1 of 4 stars; one submission).

gnomAD v4.1: 3 of 1,614,150 alleles (0.00019%); highest among the groups gnomAD compares: East Asian, 0.0045%; no homozygotes.

Submission:

Labcorp Genetics (formerly Invitae), Labcorp
Classification: Uncertain significance. Last evaluated: 2025-01-13. Review status: criteria provided, single submitter. Criteria: Invitae Variant Classification Sherloc (09022015). Collection method: clinical testing. Allele origin: germline.
Comment: This sequence change falls in intron 45 of the COL7A1 gene. It does not directly change the encoded amino acid sequence of the COL7A1 protein. It affects a nucleotide within the consensus splice site. This variant is present in population databases (no rsID available, gnomAD 0.006%). This variant has not been reported in the literature in individuals affected with COL7A1-related conditions. Variants that disrupt the consensus splice site are a relatively common cause of aberrant splicing (PMID: 17576681, 9536098). Algorithms developed to predict the effect of sequence changes on RNA splicing suggest that this variant is not likely to affect RNA splicing. In summary, the available evidence is currently insufficient to determine the role of this variant in disease. Therefore, it has been classified as a Variant of Uncertain Significance.

Literature cited by the submitters: PubMed 17576681; PubMed 9536098.

NM_000094.4(COL7A1):c.4599+3G>A

Gene: COL7A1 (collagen type VII alpha 1 chain; minus strand). Cytogenetic location: 3p21.31.
Variant type: single nucleotide variant.
Coding change: c.4599+3G>A on transcript NM_000094.4 (MANE Select); 3 bases into the intron after coding-DNA position 4599, G replaced by A.
Molecular consequence: intron variant.
Genome position (GRCh38, 1-based): chr3:48,582,475, C>T on the plus strand (G>A on the coding strand, the complement: COL7A1 is on the minus strand). VCF-style: chr3-48582475-C-T. GRCh37 (hg19) VCF-style: chr3-48619908-C-T.
Identifiers: ClinVar variation 3695585 (VCV003695585.2).
Genomic context (GRCh38, chr3:48,582,475, plus strand): 5'-TCCCAGTGTCCCATCTGCCACATCCCTAGTACCAGACAGTGCCACCCCCAGCCGAGGACC[C>T]ACCTTCTCTCCTTGGCGGCCAGTGGGTCCTGGTGGCCCCTGAATGTAGAGAAAGTGTGAG-3'